The following is an entry in ClinVar:

NM_003458.4(BSN):c.7450C>A (p.Pro2484Thr)

Gene: BSN (bassoon presynaptic cytomatrix protein; plus strand). Cytogenetic location: 3p21.31.
Variant type: single nucleotide variant.
Coding change: c.7450C>A on transcript NM_003458.4 (MANE Select); coding-DNA position 7450, C replaced by A.
Protein change: p.Pro2484Thr; replaces proline 2484 with threonine.
Molecular consequence: missense variant.
Genome position (GRCh38, 1-based): chr3:49,657,006, C>A. VCF-style: chr3-49657006-C-A. GRCh37 (hg19) VCF-style: chr3-49694439-C-A.
Other names: short protein forms P2484T.
Identifiers: ClinVar variation 3042685 (VCV003042685.2), dbSNP rs199514462, ClinGen allele CA2400666.

ClinVar aggregate classification (germline): Benign (0 of 4 stars; one submission).

Conditions:
BSN-related disorder. Also called: BSN-related condition.

Allele frequency attached by ClinVar (database versions not stated): 1000 Genomes Project 30x 0.00406; 1000 Genomes Project 0.00479.
gnomAD v4.1: 1,161 of 1,610,354 alleles (0.072%); highest among the groups gnomAD compares: South Asian, 1.2%; 14 homozygotes.

Submission:

PreventionGenetics, part of Exact Sciences
Classification: Benign for BSN-related condition. Last evaluated: 2019-06-27. Review status: no assertion criteria provided. Collection method: clinical testing. Allele origin: germline.
Comment: This variant is classified as benign based on ACMG/AMP sequence variant interpretation guidelines (Richards et al. 2015 PMID: 25741868, with internal and published modifications).